The following is an entry in ClinVar:

ClinVar aggregate classification (germline): Pathogenic (1 of 4 stars; one submission).

Conditions:
Fanconi anemia (FA). Also called: Fanconi's anemia. Identifiers: Orphanet 84, MedGen C0015625, MeSH D005199, MONDO:0019391.

Submission:

Labcorp Genetics (formerly Invitae), Labcorp
Classification: Pathogenic for Fanconi anemia. Last evaluated: 2023-05-22. Review status: criteria provided, single submitter. Criteria: Invitae Variant Classification Sherloc (09022015). Collection method: clinical testing. Allele origin: germline.
Comment: For these reasons, this variant has been classified as Pathogenic. This variant is not present in population databases (gnomAD no frequency). This sequence change affects a donor splice site in intron 2 of the FANCC gene. RNA analysis indicates that disruption of this splice site induces altered splicing and may result in an absent or disrupted protein product. Studies have shown that disruption of this splice site results in activation of a cryptic splice site or skipping of exon 2 and 3 and introduces a premature termination codon (PMID: 20869034). The resulting mRNA is expected to undergo nonsense-mediated decay. Disruption of this splice site has been observed in individuals with Fanconi anemia (PMID: 20869034).

Literature cited by the submitters: PubMed 20869034.

NM_000136.3(FANCC):c.165+1G>A

Gene: FANCC (FA complementation group C; minus strand). Cytogenetic location: 9q22.32.
Variant type: single nucleotide variant.
Coding change: c.165+1G>A on transcript NM_000136.3 (MANE Select); the canonical splice donor site of the intron after coding-DNA position 165, G replaced by A.
Molecular consequence: splice donor variant.
Genome position (GRCh38, 1-based): chr9:95,249,126, C>T on the plus strand (G>A on the coding strand, the complement: FANCC is on the minus strand). VCF-style: chr9-95249126-C-T. GRCh37 (hg19) VCF-style: chr9-98011408-C-T.
Other names: c.165+1G>A (NM_001243743.2, NM_001243744.2).
Identifiers: ClinVar variation 3007609 (VCV003007609.3), dbSNP rs794726668, ClinGen allele CA374340181.
Genomic context (GRCh38, chr9:95,249,126, plus strand): 5'-TGAAATCTGGTAGAGTCCCTGAAGTCAGAAAATAATTTCATTATTCTGGTCCACTACTTA[C>T]CATCTCTTTCAAGGCTTCATACATCTTCCTTAGGAACTCCTGGAACTGAGCCACGTGAAG-3'